The following is an entry in ClinVar:

ClinVar aggregate classification (germline): Uncertain significance (1 of 4 stars; one submission).

Allele frequency attached by ClinVar (database versions not stated): TOPMed below 0.00001; gnomAD 0.00001; gnomAD exomes 0.00002.
gnomAD v4.1: 31 of 1,606,468 alleles (0.0019%); highest among the groups gnomAD compares: Non-Finnish European, 0.0026%; no homozygotes.

Submission:

Laboratory for Molecular Medicine, Mass General Brigham Personalized Medicine
Classification: Uncertain significance. Last evaluated: 2015-02-05. Review status: criteria provided, single submitter. Criteria: LMM Criteria. Collection method: clinical testing. Allele origin: germline. Observed: 1 variant allele.
Comment: The p.Ala425Thr variant in TRIOBP has not been previously reported in individual s with hearing loss or in large population studies. Computational prediction too ls and conservation analyses suggest that the variant may not impact the protein , though this information is not predictive enough to rule out pathogenicity. In summary, the clinical significance of the p.Ala425Thr variant is uncertain.

NM_001039141.3(TRIOBP):c.6324+240G>A

Gene: TRIOBP (TRIO and F-actin binding protein; plus strand). Cytogenetic location: 22q13.1.
Variant type: single nucleotide variant.
Coding change: c.6324+240G>A on transcript NM_001039141.3 (MANE Select); 240 bases into the intron after coding-DNA position 6324, G replaced by A.
Molecular consequence: intron variant. On other transcripts: missense variant (1).
Genome position (GRCh38, 1-based): chr22:37,759,504, G>A. VCF-style: chr22-37759504-G-A. GRCh37 (hg19) VCF-style: chr22-38155511-G-A.
Other names: c.1273G>A, p.Ala425Thr (NM_138632.2); c.1185+240G>A (NM_007032.5); short protein forms A425T.
Identifiers: ClinVar variation 229367 (VCV000229367.5), dbSNP rs876658038, ClinGen allele CA10577150.